The following is an entry in ClinVar:

ClinVar aggregate classification (germline): Pathogenic (1 of 4 stars; one submission).

Conditions:
Autosomal dominant hypocalcemia 1 (HYPOC1). Also called: HYPOCALCEMIA, FAMILIAL. Identifiers: MedGen C3715128, MONDO:0011013, OMIM 601198.
Familial hypocalciuric hypercalcemia (FHH). Also called: Familial benign hypercalcemia. Identifiers: Orphanet 405, MedGen C1809471, MONDO:0018458.

Submission:

Labcorp Genetics (formerly Invitae), Labcorp
Classification: Pathogenic for Familial hypocalciuric hypercalcemia; Autosomal dominant hypocalcemia 1. Last evaluated: 2022-06-09. Review status: criteria provided, single submitter. Criteria: Invitae Variant Classification Sherloc (09022015). Collection method: clinical testing. Allele origin: germline.
Comment: For these reasons, this variant has been classified as Pathogenic. This variant disrupts a region of the CASR protein in which other variant(s) (p.Arg886Pro) have been determined to be pathogenic (PMID: 11807402, 20798521). This suggests that this is a clinically significant region of the protein, and that variants that disrupt it are likely to be disease-causing. This variant has not been reported in the literature in individuals affected with CASR-related conditions. This variant is not present in population databases (gnomAD no frequency). This sequence change creates a premature translational stop signal (p.Pro682Argfs*16) in the CASR gene. While this is not anticipated to result in nonsense mediated decay, it is expected to disrupt the last 397 amino acid(s) of the CASR protein.

Literature cited by the submitters: PubMed 11807402; PubMed 20798521.

NM_000388.4(CASR):c.2045del (p.Pro682fs)

Gene: CASR (calcium sensing receptor; plus strand). Cytogenetic location: 3q21.1.
Variant type: Deletion.
Coding change: c.2045del on transcript NM_000388.4 (MANE Select); coding-DNA position 2045, one base deleted (C; older notation c.2045delC).
Protein change: p.Pro682fs; shifts the reading frame from proline 682.
Molecular consequence: frameshift variant.
Genome position (GRCh38, 1-based): chr3:122,283,999, C deleted; the last of 2 consecutive C bases (chr3:122,283,998-122,283,999); deleting either gives the same sequence. VCF-style (leftmost placement, unchanged base first): chr3-122283997-GC-G. GRCh37 (hg19) VCF-style: chr3-122002844-GC-G.
Other names: c.2075del, p.Pro692fs (NM_001178065.2); short protein forms P692fs, P682fs.
Identifiers: ClinVar variation 2003725 (VCV002003725.4), dbSNP rs2473277634, ClinGen allele CA2580068643.